The following is an entry in ClinVar:

NM_001231.5(CASQ1):c.254T>C (p.Phe85Ser)

Gene: CASQ1 (calsequestrin 1; plus strand). Cytogenetic location: 1q23.2.
Variant type: single nucleotide variant.
Coding change: c.254T>C on transcript NM_001231.5 (MANE Select); coding-DNA position 254, T replaced by C.
Protein change: p.Phe85Ser; replaces phenylalanine 85 with serine.
Molecular consequence: missense variant.
Genome position (GRCh38, 1-based): chr1:160,191,005, T>C. VCF-style: chr1-160191005-T-C. GRCh37 (hg19) VCF-style: chr1-160160795-T-C.
Other names: c.254T>C (NM_001231.4); short protein forms F85S.
Identifiers: ClinVar variation 2410633 (VCV002410633.8), dbSNP rs765193262, ClinGen allele CA1196107.
Genomic context (GRCh38, chr1:160,191,005, plus strand): 5'-AGGTGCTGGCACTCCTCTACCATGAACCCCCCGAGGATGACAAGGCCTCACAAAGACAAT[T>C]TGAGATGGAGGAGCTGATCCTGGAGGTGAGTTGGGGGCACTGCAGGCCTGCAGAGCATGT-3'
Protein context (NP_001222.3, residues 75-95): PEDDKASQRQ[Phe85Ser]EMEELILELA

ClinVar aggregate classification (germline): Uncertain significance. Review status: criteria provided, multiple submitters, no conflicts (2 of 4 stars). 2 submissions from 2 submitters: Uncertain significance (2). Last evaluated 2025-09-25.

Conditions:
Inborn genetic diseases. Identifiers: MedGen C0950123, MeSH D030342.

Allele frequency attached by ClinVar (database versions not stated): gnomAD 0.00003.
gnomAD v4.1: 73 of 1,613,660 alleles (0.0045%); highest among the groups gnomAD compares: Non-Finnish European, 0.0056%; no homozygotes.

Submissions (2):

Labcorp Genetics (formerly Invitae), Labcorp
Classification: Uncertain significance. Last evaluated: 2025-09-25. Review status: criteria provided, single submitter. Criteria: Invitae Variant Classification Sherloc (09022015). Collection method: clinical testing. Allele origin: germline.
Comment: This sequence change replaces phenylalanine, which is neutral and non-polar, with serine, which is neutral and polar, at codon 85 of the CASQ1 protein (p.Phe85Ser). This variant is present in population databases (rs765193262, gnomAD 0.008%). This variant has not been reported in the literature in individuals affected with CASQ1-related conditions. ClinVar contains an entry for this variant (Variation ID: 2410633). Invitae Evidence Modeling of protein sequence and biophysical properties (such as structural, functional, and spatial information, amino acid conservation, physicochemical variation, residue mobility, and thermodynamic stability) indicates that this missense variant is not expected to disrupt CASQ1 protein function with a negative predictive value of 80%. In summary, the available evidence is currently insufficient to determine the role of this variant in disease. Therefore, it has been classified as a Variant of Uncertain Significance.

Ambry Genetics
Classification: Uncertain significance for Inborn genetic diseases. Last evaluated: 2023-01-18. Review status: criteria provided, single submitter. Criteria: Ambry Variant Classification Scheme 2023. Collection method: clinical testing. Allele origin: germline.
Comment: The p.F85S variant (also known as c.254T>C), located in coding exon 1 of the CASQ1 gene, results from a T to C substitution at nucleotide position 254. The phenylalanine at codon 85 is replaced by serine, an amino acid with highly dissimilar properties. This amino acid position is conserved. In addition, this alteration is predicted to be tolerated by in silico analysis. Since supporting evidence is limited at this time, the clinical significance of this alteration remains unclear.